The following is an entry in ClinVar:

NM_001195518.2(MICU1):c.77C>T (p.Pro26Leu)

Gene: MICU1 (mitochondrial calcium uptake 1; minus strand). Cytogenetic location: 10q22.1.
Variant type: single nucleotide variant.
Coding change: c.77C>T on transcript NM_001195518.2 (MANE Select); coding-DNA position 77, C replaced by T.
Protein change: p.Pro26Leu; replaces proline 26 with leucine.
Molecular consequence: missense variant. On other transcripts: intron variant (1), 5 prime UTR variant (4), non-coding transcript variant (3).
Genome position (GRCh38, 1-based): chr10:72,566,717, G>A on the plus strand (C>T on the coding strand, the complement: MICU1 is on the minus strand). VCF-style: chr10-72566717-G-A. GRCh37 (hg19) VCF-style: chr10-74326475-G-A.
Other names: c.77C>T, p.Pro26Leu (NM_001363513.2, NM_001441218.1, NM_001441219.1 and 9 more transcripts); c.-3-15376C>T (NM_001441228.1); c.-23C>T (NM_001441226.1); c.-673C>T (NM_001441230.1); c.-629C>T (NM_001441231.1); c.-493C>T (NM_001441233.1); short protein forms P26L.
Identifiers: ClinVar variation 4686975 (VCV004686975.1).

ClinVar aggregate classification (germline): Uncertain significance (1 of 4 stars; one submission).

Submission:

GeneDx
Classification: Uncertain significance. Last evaluated: 2025-07-25. Review status: criteria provided, single submitter. Criteria: GeneDx Variant Classification Process June 2021. Collection method: clinical testing. Allele origin: germline. Affected: yes.
Comment: Not observed at significant frequency in large population cohorts (gnomAD); In silico analysis suggests that this missense variant does not alter protein structure/function; Has not been previously published as pathogenic or benign to our knowledge